The following is an entry in ClinVar:

NM_182961.4(SYNE1):c.1891G>T (p.Asp631Tyr)

Gene: SYNE1 (spectrin repeat containing nuclear envelope protein 1; minus strand). Cytogenetic location: 6q25.2.
Variant type: single nucleotide variant.
Coding change: c.1891G>T on transcript NM_182961.4 (MANE Select); coding-DNA position 1891, G replaced by T.
Protein change: p.Asp631Tyr; replaces aspartic acid 631 with tyrosine.
Molecular consequence: missense variant.
Genome position (GRCh38, 1-based): chr6:152,465,299, C>A on the plus strand (G>T on the coding strand, the complement: SYNE1 is on the minus strand). VCF-style: chr6-152465299-C-A. GRCh37 (hg19) VCF-style: chr6-152786434-C-A.
Other names: c.1912G>T, p.Asp638Tyr (NM_033071.5); short protein forms D638Y, D631Y.
Identifiers: ClinVar variation 1389249 (VCV001389249.6), dbSNP rs771327791, ClinGen allele CA366126720.

ClinVar aggregate classification (germline): Uncertain significance (1 of 4 stars; one submission).

Conditions:
Emery-Dreifuss muscular dystrophy 4, autosomal dominant (EDMD4). Also called: EMERY-DREIFUSS MUSCULAR DYSTROPHY 4 WITH VARIABLE FEATURES. Identifiers: Orphanet 261, MedGen C2751807, MONDO:0013071, OMIM 612998.
Autosomal recessive ataxia, Beauce type. Also called: SYNE1-Related Autosomal Recessive Cerebellar Ataxia; Spinocerebellar ataxia, autosomal recessive 8; ATAXIA, RECESSIVE, OF BEAUCE; SYNE1 Deficiency. Identifiers: Orphanet 88644, MedGen C1853116, MONDO:0012549, OMIM 610743.

Submission:

Labcorp Genetics (formerly Invitae), Labcorp
Classification: Uncertain significance for Emery-Dreifuss muscular dystrophy 4, autosomal dominant; Autosomal recessive ataxia, Beauce type. Last evaluated: 2022-10-13. Review status: criteria provided, single submitter. Criteria: Invitae Variant Classification Sherloc (09022015). Collection method: clinical testing. Allele origin: germline.
Comment: This sequence change replaces aspartic acid, which is acidic and polar, with tyrosine, which is neutral and polar, at codon 638 of the SYNE1 protein (p.Asp638Tyr). This variant is not present in population databases (gnomAD no frequency). This variant has not been reported in the literature in individuals affected with SYNE1-related conditions. ClinVar contains an entry for this variant (Variation ID: 1389249). Algorithms developed to predict the effect of missense changes on protein structure and function are either unavailable or do not agree on the potential impact of this missense change (SIFT: "Deleterious"; PolyPhen-2: "Probably Damaging"; Align-GVGD: "Class C15"). In summary, the available evidence is currently insufficient to determine the role of this variant in disease. Therefore, it has been classified as a Variant of Uncertain Significance.